The following is an entry in ClinVar:

ClinVar aggregate classification (germline): Uncertain significance. Review status: criteria provided, multiple submitters, no conflicts (2 of 4 stars). 3 submissions from 3 submitters: Uncertain significance (2). 1 of the submissions does not count toward it. Last evaluated 2026-03-12.

Conditions:
Ataxia-telangiectasia syndrome (AT). Also called: ATAXIA-TELANGIECTASIA, COMPLEMENTATION GROUP A; ATAXIA-TELANGIECTASIA, FRESNO VARIANT; Ataxia-telangiectasia; Ataxia-telangiectasia, complementation group E; LOUIS-BAR SYNDROME; Cerebello-oculocutaneous telangiectasia. Identifiers: Orphanet 100, MedGen C0004135, MONDO:0008840, OMIM 208900.
Hereditary cancer-predisposing syndrome. Also called: Tumor predisposition; Hereditary Cancer Syndrome; Hereditary neoplastic syndrome; Neoplastic Syndromes, Hereditary. Identifiers: Orphanet 140162, MedGen C0027672, MeSH D009386, MONDO:0015356.

Submissions (3):

Ambry Genetics
Classification: Uncertain significance for Hereditary cancer-predisposing syndrome. Last evaluated: 2026-03-12. Review status: criteria provided, single submitter. Criteria: Ambry Variant Classification Scheme 2023. Collection method: clinical testing. Allele origin: germline.
Comment: The p.R2273G variant (also known as c.6817A>G), located in coding exon 46 of the ATM gene, results from an A to G substitution at nucleotide position 6817. The arginine at codon 2273 is replaced by glycine, an amino acid with dissimilar properties. This amino acid position is conserved. In addition, the in silico prediction for this alteration is inconclusive. Based on the available evidence, the clinical significance of this variant remains unclear.

Labcorp Genetics (formerly Invitae), Labcorp
Classification: Uncertain significance for Ataxia-telangiectasia syndrome. Last evaluated: 2022-06-22. Review status: criteria provided, single submitter. Criteria: Invitae Variant Classification Sherloc (09022015). Collection method: clinical testing. Allele origin: germline.
Comment: In summary, the available evidence is currently insufficient to determine the role of this variant in disease. Therefore, it has been classified as a Variant of Uncertain Significance. Advanced modeling of protein sequence and biophysical properties (such as structural, functional, and spatial information, amino acid conservation, physicochemical variation, residue mobility, and thermodynamic stability) performed at Invitae indicates that this missense variant is not expected to disrupt ATM protein function. This variant has not been reported in the literature in individuals affected with ATM-related conditions. This variant is not present in population databases (gnomAD no frequency). This sequence change replaces arginine, which is basic and polar, with glycine, which is neutral and non-polar, at codon 2273 of the ATM protein (p.Arg2273Gly).

Natera, Inc.
Classification: Uncertain significance for Ataxia-telangiectasia. Last evaluated: 2025-05-30. Review status: no assertion criteria provided. Collection method: clinical testing. Allele origin: germline. Not counted in ClinVar's aggregate classification.

NM_000051.4(ATM):c.6817A>G (p.Arg2273Gly)

Genes: ATM (ATM serine/threonine kinase; plus strand), C11orf65 (chromosome 11 open reading frame 65; minus strand). Cytogenetic location: 11q22.3.
Variant type: single nucleotide variant.
Coding change: c.6817A>G on transcript NM_000051.4 (MANE Select); coding-DNA position 6817, A replaced by G.
Protein change: p.Arg2273Gly; replaces arginine 2273 with glycine.
Molecular consequence: missense variant. On other transcripts: intron variant (2).
Genome position (GRCh38, 1-based): chr11:108,326,067, A>G. VCF-style: chr11-108326067-A-G. GRCh37 (hg19) VCF-style: chr11-108196794-A-G.
Other names: c.6817A>G, p.Arg2273Gly (NM_001351834.2); c.641-16996T>C (NM_001330368.2); c.*38+9153T>C (NM_001351110.2); short protein forms R2273G.
Identifiers: ClinVar variation 2190091 (VCV002190091.4), dbSNP rs2085646865, ClinGen allele CA382556473.